The following is an entry in ClinVar:

NM_006899.5(IDH3B):c.10T>G (p.Leu4Val)

Gene: IDH3B (isocitrate dehydrogenase (NAD(+)) 3 non-catalytic subunit beta; minus strand). Cytogenetic location: 20p13.
Variant type: single nucleotide variant.
Coding change: c.10T>G on transcript NM_006899.5 (MANE Select); coding-DNA position 10, T replaced by G.
Protein change: p.Leu4Val; replaces leucine 4 with valine.
Molecular consequence: missense variant. On other transcripts: non-coding transcript variant (1).
Genome position (GRCh38, 1-based): chr20:2,664,179, A>C on the plus strand (T>G on the coding strand, the complement: IDH3B is on the minus strand). VCF-style: chr20-2664179-A-C. GRCh37 (hg19) VCF-style: chr20-2644825-A-C.
Other names: c.10T>G, p.Leu4Val (NM_001258384.3, NM_001330763.2, NM_174855.4); short protein forms L4V.
Identifiers: ClinVar variation 1498383 (VCV001498383.8), dbSNP rs759496167, ClinGen allele CA408041342.

ClinVar aggregate classification (germline): Uncertain significance (1 of 4 stars; one submission).

gnomAD v4.1: 9 of 1,613,646 alleles (0.00056%); highest among the groups gnomAD compares: Non-Finnish European, 0.00076%; no homozygotes.

Submission:

Labcorp Genetics (formerly Invitae), Labcorp
Classification: Uncertain significance. Last evaluated: 2022-02-10. Review status: criteria provided, single submitter. Criteria: Invitae Variant Classification Sherloc (09022015). Collection method: clinical testing. Allele origin: germline.
Comment: In summary, the available evidence is currently insufficient to determine the role of this variant in disease. Therefore, it has been classified as a Variant of Uncertain Significance. Algorithms developed to predict the effect of missense changes on protein structure and function output the following: SIFT: "Not Available"; PolyPhen-2: "Benign"; Align-GVGD: "Not Available". The valine amino acid residue is found in multiple mammalian species, which suggests that this missense change does not adversely affect protein function. This variant has not been reported in the literature in individuals affected with IDH3B-related conditions. This variant is not present in population databases (gnomAD no frequency). This sequence change replaces leucine, which is neutral and non-polar, with valine, which is neutral and non-polar, at codon 4 of the IDH3B protein (p.Leu4Val).